The following is an entry in ClinVar:

ClinVar aggregate classification (germline): Uncertain significance (1 of 4 stars; one submission).

Conditions:
Cohen syndrome (COH1). Also called: Cutis verticis gyrata, retinitis pigmentosa, and sensorineural deafness; PEPPER SYNDROME. Identifiers: Orphanet 193, MedGen C0265223, MONDO:0008999, OMIM 216550.

Allele frequency attached by ClinVar (database versions not stated): gnomAD exomes 0.00001.
gnomAD v4.1: 13 of 1,612,280 alleles (0.00081%); highest among the groups gnomAD compares: Non-Finnish European, 0.00085%; no homozygotes.

Submission:

Labcorp Genetics (formerly Invitae), Labcorp
Classification: Uncertain significance for Cohen syndrome. Last evaluated: 2022-06-13. Review status: criteria provided, single submitter. Criteria: Invitae Variant Classification Sherloc (09022015). Collection method: clinical testing. Allele origin: germline.
Comment: In summary, the available evidence is currently insufficient to determine the role of this variant in disease. Therefore, it has been classified as a Variant of Uncertain Significance. Algorithms developed to predict the effect of missense changes on protein structure and function output the following: SIFT: "Not Available"; PolyPhen-2: "Benign"; Align-GVGD: "Not Available". The glycine amino acid residue is found in multiple mammalian species, which suggests that this missense change does not adversely affect protein function. This variant has not been reported in the literature in individuals affected with VPS13B-related conditions. This variant is not present in population databases (gnomAD no frequency). This sequence change replaces glutamic acid, which is acidic and polar, with glycine, which is neutral and non-polar, at codon 1569 of the VPS13B protein (p.Glu1569Gly).

NM_152564.5(VPS13B):c.4631A>G (p.Glu1544Gly)

Gene: VPS13B (vacuolar protein sorting 13 homolog B; plus strand). Cytogenetic location: 8q22.2.
Variant type: single nucleotide variant.
Coding change: c.4631A>G on transcript NM_152564.5 (MANE Select); coding-DNA position 4631, A replaced by G.
Protein change: p.Glu1544Gly; replaces glutamic acid 1544 with glycine.
Molecular consequence: missense variant.
Genome position (GRCh38, 1-based): chr8:99,511,510, A>G. VCF-style: chr8-99511510-A-G. GRCh37 (hg19) VCF-style: chr8-100523738-A-G.
Other names: c.4706A>G, p.Glu1569Gly (NM_017890.5); short protein forms E1569G, E1544G.
Identifiers: ClinVar variation 2198031 (VCV002198031.2), dbSNP rs1821786117, ClinGen allele CA371872053.
Genomic context (GRCh38, chr8:99,511,510, plus strand): 5'-TCAACACAAGTGTAATCAGAATTTTTATTCCAAAAACAGAAGAAATGCAGCCAACTGTTG[A>G]AGGTATTGTCTTCTGATTTTTTTTGTCTGATTTTAAATAATTTTCTTCTAGAGACCTTAG-3'
Protein context (NP_689777.3, residues 1534-1554): PKTEEMQPTV[Glu1544Gly]ANQAAKEDTV